The following is an entry in ClinVar:

NM_005765.3(ATP6AP2):c.840C>G (p.Ile280Met)

Gene: ATP6AP2 (ATPase H+ transporting accessory protein 2; plus strand). Cytogenetic location: Xp11.4.
Variant type: single nucleotide variant.
Coding change: c.840C>G on transcript NM_005765.3 (MANE Select); coding-DNA position 840, C replaced by G.
Protein change: p.Ile280Met; replaces isoleucine 280 with methionine.
Molecular consequence: missense variant.
Genome position (GRCh38, 1-based): chrX:40,600,863, C>G. VCF-style: chrX-40600863-C-G. GRCh37 (hg19) VCF-style: chrX-40460115-C-G.
Other names: short protein forms I280M.
Identifiers: ClinVar variation 465131 (VCV000465131.1), dbSNP rs1555978066, ClinGen allele CA412757840.
Genomic context (GRCh38, chrX:40,600,863, plus strand): 5'-GGTAGAGTTAGTCACTGTCAAGTCATTTGACACCTCCCTCATTAGGAAGACAAGGACTAT[C>G]CTTGAGGCAAAACAAGCGGTGAGTATATTTTGAGATCCTGCTTTAAAACTGTAAAATTAA-3'
Protein context (NP_005756.2, residues 270-290): DTSLIRKTRT[Ile280Met]LEAKQAKNPA

ClinVar aggregate classification (germline): Uncertain significance (1 of 4 stars; one submission).

Conditions:
Intellectual developmental disorder, X-linked, syndromic, Hedera type. Also called: Syndromic X-linked intellectual disability Hedera type. Identifiers: Orphanet 93952, MedGen C1845543, MONDO:0010319, OMIM 300423.

Submission:

Labcorp Genetics (formerly Invitae), Labcorp
Classification: Uncertain significance for Intellectual developmental disorder, X-linked, syndromic, Hedera type. Last evaluated: 2017-06-22. Review status: criteria provided, single submitter. Criteria: Invitae Variant Classification Sherloc (09022015). Collection method: clinical testing. Allele origin: germline.
Comment: This sequence change replaces isoleucine with methionine at codon 280 of the ATP6AP2 protein (p.Ile280Met). The isoleucine residue is highly conserved and there is a small physicochemical difference between isoleucine and methionine. This variant is not present in population databases (ExAC no frequency). This variant has not been reported in the literature in individuals with an ATP6AP2-related disease. Algorithms developed to predict the effect of missense changes on protein structure and function do not agree on the potential impact of this missense change (SIFT: "Deleterious"; PolyPhen-2: "Probably Damaging"; Align-GVGD: "Class C0"). In summary, this variant has uncertain impact on ATP6AP2 function. The available evidence is currently insufficient to determine its role in disease. Therefore, it has been classified as a Variant of Uncertain Significance.